The following is an entry in ClinVar:

ClinVar aggregate classification (germline): Uncertain significance (1 of 4 stars; one submission).

Conditions:
Hereditary cancer-predisposing syndrome. Also called: Tumor predisposition; Hereditary Cancer Syndrome; Hereditary neoplastic syndrome; Neoplastic Syndromes, Hereditary. Identifiers: Orphanet 140162, MedGen C0027672, MeSH D009386, MONDO:0015356.

Submission:

Ambry Genetics
Classification: Uncertain significance for Hereditary cancer-predisposing syndrome. Last evaluated: 2024-05-16. Review status: criteria provided, single submitter. Criteria: Ambry Variant Classification Scheme 2023. Collection method: clinical testing. Allele origin: germline.
Comment: The p.W243S variant (also known as c.728G>C), located in coding exon 2 of the ALK gene, results from a G to C substitution at nucleotide position 728. The tryptophan at codon 243 is replaced by serine, an amino acid with highly dissimilar properties. This amino acid position is conserved. In addition, this alteration is predicted to be deleterious by in silico analysis. Based on the available evidence, the clinical significance of this variant remains unclear.

NM_004304.5(ALK):c.728G>C (p.Trp243Ser)

Gene: ALK (ALK receptor tyrosine kinase; minus strand). Cytogenetic location: 2p23.2.
Variant type: single nucleotide variant.
Coding change: c.728G>C on transcript NM_004304.5 (MANE Select); coding-DNA position 728, G replaced by C.
Protein change: p.Trp243Ser; replaces tryptophan 243 with serine.
Molecular consequence: missense variant.
Genome position (GRCh38, 1-based): chr2:29,717,637, C>G on the plus strand (G>C on the coding strand, the complement: ALK is on the minus strand). VCF-style: chr2-29717637-C-G. GRCh37 (hg19) VCF-style: chr2-29940503-C-G.
Other names: short protein forms W243S.
Identifiers: ClinVar variation 3286220 (VCV003286220.1).